The following is an entry in ClinVar:

NM_005732.4(RAD50):c.3536G>A (p.Arg1179Lys)

Genes: RAD50 (RAD50 double strand break repair protein; plus strand), TH2LCRR (T helper type 2 locus control region associated RNA; minus strand), TH2-LCR (Th2 cytokine locus control region; plus strand). Cytogenetic location: 5q31.1.
Variant type: single nucleotide variant.
Coding change: c.3536G>A on transcript NM_005732.4 (MANE Select); coding-DNA position 3536, G replaced by A.
Protein change: p.Arg1179Lys; replaces arginine 1179 with lysine.
Molecular consequence: missense variant. On other transcripts: non-coding transcript variant (2).
Genome position (GRCh38, 1-based): chr5:132,638,141, G>A. VCF-style: chr5-132638141-G-A. GRCh37 (hg19) VCF-style: chr5-131973833-G-A.
Other names: short protein forms R1179K.
Identifiers: ClinVar variation 1019080 (VCV001019080.9), dbSNP rs1751631681, ClinGen allele CA360931876.
Genomic context (GRCh38, chr5:132,638,141, plus strand): 5'-ATATTGAATACATAGAAATACGGTCTGATGCCGATGAAAATGTATCAGCTTCTGATAAAA[G>A]GCGGAATTATAACTACCGAGTGGTGATGCTGAAGGGAGACACAGCCTTGGATATGCGAGG-3'
Protein context (NP_005723.2, residues 1169-1189): ADENVSASDK[Arg1179Lys]RNYNYRVVML

ClinVar aggregate classification (germline): Uncertain significance (1 of 4 stars; one submission).

Conditions:
Hereditary cancer-predisposing syndrome. Also called: Tumor predisposition; Neoplastic Syndromes, Hereditary; Hereditary neoplastic syndrome; Hereditary Cancer Syndrome. Identifiers: Orphanet 140162, MedGen C0027672, MeSH D009386, MONDO:0015356.

Submission:

Labcorp Genetics (formerly Invitae), Labcorp
Classification: Uncertain significance for Hereditary cancer-predisposing syndrome. Last evaluated: 2020-08-14. Review status: criteria provided, single submitter. Criteria: Invitae Variant Classification Sherloc (09022015). Collection method: clinical testing. Allele origin: germline.
Comment: In summary, the available evidence is currently insufficient to determine the role of this variant in disease. Therefore, it has been classified as a Variant of Uncertain Significance. Algorithms developed to predict the effect of missense changes on protein structure and function are either unavailable or do not agree on the potential impact of this missense change (SIFT: "Tolerated"; PolyPhen-2: "Possibly Damaging"; Align-GVGD: "Class C0"). This variant has not been reported in the literature in individuals with RAD50-related conditions. This variant is not present in population databases (ExAC no frequency). This sequence change replaces arginine with lysine at codon 1179 of the RAD50 protein (p.Arg1179Lys). The arginine residue is moderately conserved and there is a small physicochemical difference between arginine and lysine.